The following is an entry in ClinVar:

ClinVar aggregate classification (germline): Conflicting classifications of pathogenicity. Review status: criteria provided, conflicting classifications (1 of 4 stars). 3 submissions from 3 submitters: Uncertain significance (1); Likely benign (2). Last evaluated 2025-07-10.

Allele frequency attached by ClinVar (database versions not stated): gnomAD 0.00010 and 0.00011; gnomAD exomes 0.00011 and 0.00018; TOPMed 0.00018; ExAC 0.00035.
gnomAD v4.1: 162 of 1,442,702 alleles (0.011%); highest among the groups gnomAD compares: Middle Eastern, 0.7%; 1 homozygote.

Submissions (3):

Labcorp Genetics (formerly Invitae), Labcorp
Classification: Likely benign. Last evaluated: 2025-07-10. Review status: criteria provided, single submitter. Criteria: Invitae Variant Classification Sherloc (09022015). Collection method: clinical testing. Allele origin: germline.

GeneDx
Classification: Likely benign. Last evaluated: 2020-12-04. Review status: criteria provided, single submitter. Criteria: GeneDx Variant Classification Process June 2021. Collection method: clinical testing. Allele origin: germline. Affected: yes.
Comment: This variant is associated with the following publications: (PMID: 29240891)

Laboratory for Molecular Medicine, Mass General Brigham Personalized Medicine
Classification: Uncertain significance. Last evaluated: 2017-01-12. Review status: criteria provided, single submitter. Criteria: LMM Criteria. Collection method: clinical testing. Allele origin: germline. Observed: 3 variant alleles.
Comment: Variant classified as Uncertain Significance - Favor Benign. The p.Pro34Ser vari ant in CLPP has been previously reported by our laboratory in one Kuwaiti family with hearing loss; however, a second variant affecting the remaining allele was not identified. This variant has been identified in 1/1346 European chromosomes by the Exome Aggregation Consortium (ExAC; dbSN P rs776759641). Proline (Pro) at position 34 is not conserved in mammals or evol utionarily distant species and 2 mammals (Guinea pigs and Tasmanian devils) carr y a serine (Ser), raising the possibility that this change may be tolerated. Add itional computational prediction tools do not provide strong support for or agai nst an impact to the protein. In summary, while the clinical significance of the p.Pro34Ser variant is uncertain, the lack of conservation suggests that it is m ore likely to be benign.

NM_006012.4(CLPP):c.100C>T (p.Pro34Ser)

Gene: CLPP (caseinolytic mitochondrial matrix peptidase proteolytic subunit; plus strand). Cytogenetic location: 19p13.3.
Variant type: single nucleotide variant.
Coding change: c.100C>T on transcript NM_006012.4 (MANE Select); coding-DNA position 100, C replaced by T.
Protein change: p.Pro34Ser; replaces proline 34 with serine.
Molecular consequence: missense variant.
Genome position (GRCh38, 1-based): chr19:6,361,674, C>T. VCF-style: chr19-6361674-C-T. GRCh37 (hg19) VCF-style: chr19-6361685-C-T.
Other names: short protein forms P34S.
Identifiers: ClinVar variation 505534 (VCV000505534.10), dbSNP rs776759641, ClinGen allele CA9122779.